The following is an entry in ClinVar:

NM_006180.6(NTRK2):c.2051C>T (p.Ala684Val)

Gene: NTRK2 (neurotrophic receptor tyrosine kinase 2; plus strand). Cytogenetic location: 9q21.33.
Variant type: single nucleotide variant.
Coding change: c.2051C>T on transcript NM_006180.6 (MANE Select); coding-DNA position 2051, C replaced by T.
Protein change: p.Ala684Val; replaces alanine 684 with valine.
Molecular consequence: missense variant.
Genome position (GRCh38, 1-based): chr9:84,955,396, C>T. VCF-style: chr9-84955396-C-T. GRCh37 (hg19) VCF-style: chr9-87570311-C-T.
Other names: c.2051C>T (NM_006180.4); c.2003C>T, p.Ala668Val (NM_001018064.3, NM_001369532.1, NM_001369533.1); c.1967C>T, p.Ala656Val (NM_001369534.1); c.1535C>T, p.Ala512Val (NM_001369535.1); c.1583C>T, p.Ala528Val (NM_001369536.1); short protein forms A668V, A656V, A684V, A512V, A528V.
Identifiers: ClinVar variation 1448008 (VCV001448008.9), dbSNP rs1285612169, ClinGen allele CA374010131.

ClinVar aggregate classification (germline): Uncertain significance. Review status: criteria provided, single submitter (1 of 4 stars). 2 submissions from 2 submitters: Uncertain significance (1). 1 of the submissions does not count toward it. Last evaluated 2024-02-17.

Conditions:
NTRK2-related disorder. Also called: NTRK2-related condition.

Allele frequency attached by ClinVar (database versions not stated): gnomAD 0.00001; gnomAD exomes 0.00001; TOPMed 0.00001.
gnomAD v4.1: 11 of 1,614,060 alleles (0.00068%); highest among the groups gnomAD compares: Admixed American, 0.0017%; no homozygotes.

Submissions (2):

Labcorp Genetics (formerly Invitae), Labcorp
Classification: Uncertain significance. Last evaluated: 2024-02-17. Review status: criteria provided, single submitter. Criteria: Invitae Variant Classification Sherloc (09022015). Collection method: clinical testing. Allele origin: germline.
Comment: This sequence change replaces alanine, which is neutral and non-polar, with valine, which is neutral and non-polar, at codon 684 of the NTRK2 protein (p.Ala684Val). This variant is not present in population databases (gnomAD no frequency). This variant has not been reported in the literature in individuals affected with NTRK2-related conditions. ClinVar contains an entry for this variant (Variation ID: 1448008). Advanced modeling of protein sequence and biophysical properties (such as structural, functional, and spatial information, amino acid conservation, physicochemical variation, residue mobility, and thermodynamic stability) has been performed at Invitae for this missense variant, however the output from this modeling did not meet the statistical confidence thresholds required to predict the impact of this variant on NTRK2 protein function. In summary, the available evidence is currently insufficient to determine the role of this variant in disease. Therefore, it has been classified as a Variant of Uncertain Significance.

PreventionGenetics, part of Exact Sciences
Classification: Uncertain significance for NTRK2-related condition. Last evaluated: 2024-07-09. Review status: no assertion criteria provided. Collection method: clinical testing. Allele origin: germline. Not counted in ClinVar's aggregate classification.
Comment: The NTRK2 c.2051C>T variant is predicted to result in the amino acid substitution p.Ala684Val. To our knowledge, this variant has not been reported in the literature or in a large population database, indicating this variant is rare. At this time, the clinical significance of this variant is uncertain due to the absence of conclusive functional and genetic evidence.